The following is an entry in ClinVar:

NM_021975.4(RELA):c.1505G>A (p.Arg502His)

Gene: RELA (RELA proto-oncogene, NF-kB subunit; minus strand). Cytogenetic location: 11q13.1.
Variant type: single nucleotide variant.
Coding change: c.1505G>A on transcript NM_021975.4 (MANE Select); coding-DNA position 1505, G replaced by A.
Protein change: p.Arg502His; replaces arginine 502 with histidine.
Molecular consequence: missense variant. On other transcripts: intron variant (1).
Genome position (GRCh38, 1-based): chr11:65,654,529, C>T on the plus strand (G>A on the coding strand, the complement: RELA is on the minus strand). VCF-style: chr11-65654529-C-T. GRCh37 (hg19) VCF-style: chr11-65422000-C-T.
Other names: c.1496G>A, p.Arg499His (NM_001145138.2); c.1298G>A, p.Arg433His (NM_001243984.2); c.1538G>A, p.Arg513His (NM_001404657.1); c.1478G>A, p.Arg493His (NM_001404658.1); c.1292G>A, p.Arg431His (NM_001404659.1); c.1187G>A, p.Arg396His (NM_001404660.1); c.1124G>A, p.Arg375His (NM_001404661.1); c.1412G>A, p.Arg471His (NM_001404662.1, NM_001404663.1); and 1 more; short protein forms R375H, R396H, R431H, R433H, R499H, R502H, R493H, R513H.
Identifiers: ClinVar variation 3712674 (VCV003712674.2).

ClinVar aggregate classification (germline): Uncertain significance (1 of 4 stars; one submission).

gnomAD v4.1: 18 of 1,609,416 alleles (0.0011%); highest among the groups gnomAD compares: South Asian, 0.0033%; no homozygotes.

Submission:

Labcorp Genetics (formerly Invitae), Labcorp
Classification: Uncertain significance. Last evaluated: 2024-09-28. Review status: criteria provided, single submitter. Criteria: Invitae Variant Classification Sherloc (09022015). Collection method: clinical testing. Allele origin: germline.
Comment: This sequence change replaces arginine, which is basic and polar, with histidine, which is basic and polar, at codon 502 of the RELA protein (p.Arg502His). This variant is not present in population databases (gnomAD no frequency). This variant has not been reported in the literature in individuals affected with RELA-related conditions. An algorithm developed to predict the effect of missense changes on protein structure and function (PolyPhen-2) suggests that this variant is likely to be disruptive. In summary, the available evidence is currently insufficient to determine the role of this variant in disease. Therefore, it has been classified as a Variant of Uncertain Significance.